The following is an entry in ClinVar:

NM_001104631.2(PDE4D):c.2260A>G (p.Ser754Gly)

Gene: PDE4D (phosphodiesterase 4D; minus strand). Cytogenetic location: 5q11.2.
Variant type: single nucleotide variant.
Coding change: c.2260A>G on transcript NM_001104631.2 (MANE Select); coding-DNA position 2260, A replaced by G.
Protein change: p.Ser754Gly; replaces serine 754 with glycine.
Molecular consequence: missense variant.
Genome position (GRCh38, 1-based): chr5:58,974,834, T>C on the plus strand (A>G on the coding strand, the complement: PDE4D is on the minus strand). VCF-style: chr5-58974834-T-C. GRCh37 (hg19) VCF-style: chr5-58270661-T-C.
Other names: c.2077A>G, p.Ser693Gly (NM_001165899.2, NM_001364599.1); c.2068A>G, p.Ser690Gly (NM_001197218.2); c.1894A>G, p.Ser632Gly (NM_001197219.2); c.1870A>G, p.Ser624Gly (NM_001197220.2); c.1354A>G, p.Ser452Gly (NM_001197221.2, NM_001364603.1); c.1588A>G, p.Ser530Gly (NM_001197222.2); c.1387A>G, p.Ser463Gly (NM_001197223.2); c.2047A>G, p.Ser683Gly (NM_001349241.2); and 3 more; short protein forms S530G, S693G, S463G, S618G, S632G, S644G, S690G, S624G.
Identifiers: ClinVar variation 905027 (VCV000905027.11), dbSNP rs1290453118, ClinGen allele CA359812591.

ClinVar aggregate classification (germline): Uncertain significance. Review status: criteria provided, multiple submitters, no conflicts (2 of 4 stars). 2 submissions from 2 submitters: Uncertain significance (2). Last evaluated 2022-07-06.

Conditions:
Acrodysostosis 2 with or without hormone resistance. Also called: ACRODYSOSTOSIS 2 WITH HORMONE RESISTANCE; ACRODYSOSTOSIS 2 WITHOUT HORMONE RESISTANCE. Identifiers: Orphanet 280651, MedGen C3553250, MONDO:0013822, OMIM 614613.

Allele frequency attached by ClinVar (database versions not stated): gnomAD exomes 0.00001; TOPMed 0.00001.
gnomAD v4.1: 11 of 1,613,640 alleles (0.00068%); highest among the groups gnomAD compares: Non-Finnish European, 0.00093%; no homozygotes.

Submissions (2):

Labcorp Genetics (formerly Invitae), Labcorp
Classification: Uncertain significance. Last evaluated: 2022-07-06. Review status: criteria provided, single submitter. Criteria: Invitae Variant Classification Sherloc (09022015). Collection method: clinical testing. Allele origin: germline.
Comment: This variant has not been reported in the literature in individuals affected with PDE4D-related conditions. In summary, the available evidence is currently insufficient to determine the role of this variant in disease. Therefore, it has been classified as a Variant of Uncertain Significance. Algorithms developed to predict the effect of missense changes on protein structure and function (SIFT, PolyPhen-2, Align-GVGD) all suggest that this variant is likely to be tolerated. ClinVar contains an entry for this variant (Variation ID: 905027). This variant is present in population databases (no rsID available, gnomAD 0.003%). This sequence change replaces serine, which is neutral and polar, with glycine, which is neutral and non-polar, at codon 754 of the PDE4D protein (p.Ser754Gly).

Illumina Laboratory Services, Illumina
Classification: Uncertain significance for Acrodysostosis 2 with or without hormone resistance. Last evaluated: 2018-01-13. Review status: criteria provided, single submitter. Criteria: ICSL Variant Classification Criteria 13 December 2019. Collection method: clinical testing. Allele origin: germline.